The following is an entry in ClinVar:

ClinVar aggregate classification (germline): Pathogenic (1 of 4 stars; one submission).

Allele frequency attached by ClinVar (database versions not stated): gnomAD exomes below 0.00001.

Submission:

Labcorp Genetics (formerly Invitae), Labcorp
Classification: Pathogenic. Last evaluated: 2021-12-12. Review status: criteria provided, single submitter. Criteria: Invitae Variant Classification Sherloc (09022015). Collection method: clinical testing. Allele origin: germline.
Comment: For these reasons, this variant has been classified as Pathogenic. This variant has not been reported in the literature in individuals affected with GFM1-related conditions. This variant is not present in population databases (gnomAD no frequency). This sequence change creates a premature translational stop signal (p.Val257Leufs*23) in the GFM1 gene. It is expected to result in an absent or disrupted protein product. Loss-of-function variants in GFM1 are known to be pathogenic (PMID: 16632485, 17160893).

Literature cited by the submitters: PubMed 16632485; PubMed 17160893.

NM_024996.7(GFM1):c.769del (p.Val257fs)

Gene: GFM1 (G elongation factor mitochondrial 1; plus strand). Cytogenetic location: 3q25.32.
Variant type: Deletion.
Coding change: c.769del on transcript NM_024996.7 (MANE Select); coding-DNA position 769, one base deleted (G; older notation c.769delG).
Protein change: p.Val257fs; shifts the reading frame from valine 257.
Molecular consequence: frameshift variant. On other transcripts: non-coding transcript variant (4).
Genome position (GRCh38, 1-based): chr3:158,652,175, G deleted. VCF-style (leftmost placement, unchanged base first): chr3-158652174-TG-T. GRCh37 (hg19) VCF-style: chr3-158369963-TG-T.
Other names: c.826del, p.Val276fs (NM_001308164.2, NM_001374355.1); c.769del, p.Val257fs (NM_001308166.2); c.652del, p.Val218fs (NM_001374356.1); c.544del, p.Val182fs (NM_001374357.1); c.310del, p.Val104fs (NM_001374358.1); c.202del, p.Val68fs (NM_001374359.1, NM_001374360.1); c.85del, p.Val29fs (NM_001374361.1); short protein forms V104fs, V182fs, V29fs, V218fs, V276fs, V257fs, V68fs.
Identifiers: ClinVar variation 1453261 (VCV001453261.6), dbSNP rs2108017010, ClinGen allele CA2573136680.